The following is an entry in ClinVar:

NM_001082971.2(DDC):c.763T>G (p.Leu255Val)

Gene: DDC (dopa decarboxylase; minus strand). Cytogenetic location: 7p12.1.
Variant type: single nucleotide variant.
Coding change: c.763T>G on transcript NM_001082971.2 (MANE Select); coding-DNA position 763, T replaced by G.
Protein change: p.Leu255Val; replaces leucine 255 with valine.
Molecular consequence: missense variant.
Genome position (GRCh38, 1-based): chr7:50,504,011, A>C on the plus strand (T>G on the coding strand, the complement: DDC is on the minus strand). VCF-style: chr7-50504011-A-C. GRCh37 (hg19) VCF-style: chr7-50571709-A-C.
Other names: c.763T>G, p.Leu255Val (NM_000790.4, NM_001242890.2); c.649T>G, p.Leu217Val (NM_001242886.2); c.619T>G, p.Leu207Val (NM_001242887.2); c.529T>G, p.Leu177Val (NM_001242888.2); c.484T>G, p.Leu162Val (NM_001242889.2); short protein forms L177V, L255V, L207V, L162V, L217V.
Identifiers: ClinVar variation 1946551 (VCV001946551.3), dbSNP rs145025264, ClinGen allele CA158229932.

ClinVar aggregate classification (germline): Uncertain significance (1 of 4 stars; one submission).

Conditions:
Deficiency of aromatic-L-amino-acid decarboxylase. Also called: Aromatic L-Amino Acid Decarboxylase Deficiency; Aromatic amino acid decarboxylase deficiency; AADC DEFICIENCY; DDC DEFICIENCY; DOPA DECARBOXYLASE DEFICIENCY. Identifiers: Orphanet 35708, MedGen C1291564, MONDO:0012084, OMIM 608643.

Allele frequency attached by ClinVar (database versions not stated): TOPMed 0.00001; ESP Exome Variant Server 0.00008.

Submission:

Labcorp Genetics (formerly Invitae), Labcorp
Classification: Uncertain significance for Deficiency of aromatic-L-amino-acid decarboxylase. Last evaluated: 2022-07-18. Review status: criteria provided, single submitter. Criteria: Invitae Variant Classification Sherloc (09022015). Collection method: clinical testing. Allele origin: germline.
Comment: This variant has not been reported in the literature in individuals affected with DDC-related conditions. This variant is present in population databases (rs145025264, gnomAD 0.002%). This sequence change replaces leucine, which is neutral and non-polar, with valine, which is neutral and non-polar, at codon 255 of the DDC protein (p.Leu255Val). Algorithms developed to predict the effect of missense changes on protein structure and function (SIFT, PolyPhen-2, Align-GVGD) all suggest that this variant is likely to be tolerated. In summary, the available evidence is currently insufficient to determine the role of this variant in disease. Therefore, it has been classified as a Variant of Uncertain Significance.